The following is an entry in ClinVar:

ClinVar aggregate classification (germline): Conflicting classifications of pathogenicity. Review status: criteria provided, conflicting classifications (1 of 4 stars). 5 submissions from 5 submitters: Uncertain significance (1); Likely benign (4). Last evaluated 2026-01-26.

Conditions:
Familial thoracic aortic aneurysm and aortic dissection (TAAD). Also called: Thoracic aortic aneurysms and dissections. Identifiers: Orphanet 91387, MedGen C4707243, MONDO:0019625.
Aortic aneurysm, familial thoracic 7 (AAT7). Also called: AORTIC DISSECTION, FAMILIAL, WITH OR WITHOUT AORTIC ANEURYSM. Identifiers: MedGen C3151077, MONDO:0013418, OMIM 613780.

Allele frequency attached by ClinVar (database versions not stated): ExAC 0.00004; gnomAD exomes 0.00005 and 0.00011; ESP Exome Variant Server 0.00008; TOPMed 0.00008; gnomAD 0.00009 and 0.00010.
gnomAD v4.1: 185 of 1,614,046 alleles (0.011%); highest among the groups gnomAD compares: Non-Finnish European, 0.014%; no homozygotes.

Submissions (5):

Labcorp Genetics (formerly Invitae), Labcorp
Classification: Likely benign for Aortic aneurysm, familial thoracic 7. Last evaluated: 2026-01-26. Review status: criteria provided, single submitter. Criteria: Invitae Variant Classification Sherloc (09022015). Collection method: clinical testing. Allele origin: germline.

CeGaT Center for Human Genetics Tuebingen
Classification: Likely benign. Last evaluated: 2024-04-01. Review status: criteria provided, single submitter. Criteria: CeGaT Center For Human Genetics Tuebingen Variant Classification Criteria Version 2. Collection method: clinical testing. Allele origin: germline. Affected: yes. Observed: 1 variant allele.
Comment: MYLK: BP4, BP7

GeneDx
Classification: Likely benign. Last evaluated: 2020-06-24. Review status: criteria provided, single submitter. Criteria: GeneDx Variant Classification Process June 2021. Collection method: clinical testing. Allele origin: germline. Affected: yes.

Illumina Laboratory Services, Illumina
Classification: Uncertain significance for Aortic aneurysm, familial thoracic 7. Last evaluated: 2018-01-13. Review status: criteria provided, single submitter. Criteria: ICSL Variant Classification Criteria 13 December 2019. Collection method: clinical testing. Allele origin: germline.

Ambry Genetics
Classification: Likely benign for Familial thoracic aortic aneurysm and aortic dissection. Last evaluated: 2015-09-01. Review status: criteria provided, single submitter. Criteria: Ambry Variant Classification Scheme 2023. Collection method: clinical testing. Allele origin: germline.

NM_053025.4(MYLK):c.2799G>A (p.Val933=)

Gene: MYLK (myosin light chain kinase; minus strand). Cytogenetic location: 3q21.1.
Variant type: single nucleotide variant.
Coding change: c.2799G>A on transcript NM_053025.4 (MANE Select); coding-DNA position 2799, G replaced by A.
Protein change: p.Val933=; no amino-acid change (valine 933 retained).
Molecular consequence: synonymous variant.
Genome position (GRCh38, 1-based): chr3:123,700,669, C>T on the plus strand (G>A on the coding strand, the complement: MYLK is on the minus strand). VCF-style: chr3-123700669-C-T. GRCh37 (hg19) VCF-style: chr3-123419516-C-T.
Other names: c.2271G>A, p.Val757= (NM_001321309.2); c.2592G>A, p.Val864= (NM_053026.4, NM_053028.4); c.2799G>A, p.Val933= (NM_053027.4).
Identifiers: ClinVar variation 264305 (VCV000264305.43), dbSNP rs144806671, ClinGen allele CA069046.